The following is an entry in ClinVar:

NM_020401.4(NUP107):c.1944T>C (p.Asn648=)

Gene: NUP107 (nucleoporin 107; plus strand). Cytogenetic location: 12q15.
Variant type: single nucleotide variant.
Coding change: c.1944T>C on transcript NM_020401.4 (MANE Select); coding-DNA position 1944, T replaced by C.
Protein change: p.Asn648=; no amino-acid change (asparagine 648 retained).
Molecular consequence: synonymous variant.
Genome position (GRCh38, 1-based): chr12:68,731,665, T>C. VCF-style: chr12-68731665-T-C. GRCh37 (hg19) VCF-style: chr12-69125445-T-C.
Other names: c.1857T>C, p.Asn619= (NM_001330192.2).
Identifiers: ClinVar variation 3054588 (VCV003054588.2), dbSNP rs1419766725, ClinGen allele CA480430000.

ClinVar aggregate classification (germline): Likely benign (0 of 4 stars; one submission).

Conditions:
NUP107-related disorder. Also called: NUP107-related condition.

Allele frequency attached by ClinVar (database versions not stated): gnomAD exomes below 0.00001; TOPMed 0.00001.
gnomAD v4.1: 1 of 1,588,658 alleles (0.000063%); highest among the groups gnomAD compares: African/African-American, 0.0014%; no homozygotes.

Submission:

PreventionGenetics, part of Exact Sciences
Classification: Likely benign for NUP107-related condition. Last evaluated: 2020-05-18. Review status: no assertion criteria provided. Collection method: clinical testing. Allele origin: germline.
Comment: This variant is classified as likely benign based on ACMG/AMP sequence variant interpretation guidelines (Richards et al. 2015 PMID: 25741868, with internal and published modifications).